The following is an entry in ClinVar:

ClinVar aggregate classification (germline): Pathogenic/Likely pathogenic. Review status: criteria provided, multiple submitters, no conflicts (2 of 4 stars). 4 submissions from 4 submitters: Pathogenic (1); Likely pathogenic (1). 2 of the submissions do not count toward it. Last evaluated 2024-05-02.

Conditions:
Glycogen storage disease, type VII (GSD7). Also called: MUSCLE PHOSPHOFRUCTOKINASE DEFICIENCY; PFKM DEFICIENCY; TARUI DISEASE; GSD VII. Identifiers: Orphanet 371, MedGen C0017926, MONDO:0009295, OMIM 232800.

gnomAD v4.1: 1 of 1,613,990 alleles (0.000062%); no homozygotes.

Submissions (4):

Labcorp Genetics (formerly Invitae), Labcorp
Classification: Pathogenic for Glycogen storage disease, type VII. Last evaluated: 2024-05-02. Review status: criteria provided, single submitter. Criteria: Invitae Variant Classification Sherloc (09022015). Collection method: clinical testing. Allele origin: germline.
Comment: This sequence change replaces arginine, which is basic and polar, with proline, which is neutral and non-polar, at codon 39 of the PFKM protein (p.Arg39Pro). This variant is not present in population databases (gnomAD no frequency). This missense change has been observed in individual(s) with glycogen storage disease (PMID: 7513946, 9443500). ClinVar contains an entry for this variant (Variation ID: 1154). Advanced modeling of protein sequence and biophysical properties (such as structural, functional, and spatial information, amino acid conservation, physicochemical variation, residue mobility, and thermodynamic stability) performed at Invitae indicates that this missense variant is expected to disrupt PFKM protein function with a positive predictive value of 80%. This variant disrupts the p.Arg39 amino acid residue in PFKM. Other variant(s) that disrupt this residue have been observed in individuals with PFKM-related conditions (PMID: 8037209, 27066546), which suggests that this may be a clinically significant amino acid residue. For these reasons, this variant has been classified as Pathogenic.

Baylor Genetics
Classification: Likely pathogenic for Glycogen storage disease, type VII. Last evaluated: 2024-03-14. Review status: criteria provided, single submitter. Criteria: ACMG Guidelines, 2015. Collection method: clinical testing. Allele origin: unknown.

Natera, Inc.
Classification: Likely pathogenic for Glycogen storage disease type VII. Last evaluated: 2020-08-07. Review status: no assertion criteria provided. Collection method: clinical testing. Allele origin: germline. Not counted in ClinVar's aggregate classification.

OMIM
Classification: Pathogenic for GLYCOGEN STORAGE DISEASE VII. Last evaluated: 1998-01-01. Review status: no assertion criteria provided. Collection method: literature only. Allele origin: germline. Not counted in ClinVar's aggregate classification.

Literature cited by the submitters: PubMed 7513946 (cited by Labcorp Genetics (formerly Invitae), Labcorp and OMIM); PubMed 9443500 (cited by Labcorp Genetics (formerly Invitae), Labcorp and OMIM); PubMed 8037209 (cited by Labcorp Genetics (formerly Invitae), Labcorp and OMIM); PubMed 27066546 (cited by Labcorp Genetics (formerly Invitae), Labcorp).

NM_000289.6(PFKM):c.116G>C (p.Arg39Pro)

Gene: PFKM (phosphofructokinase, muscle; plus strand). Cytogenetic location: 12q13.11.
Variant type: single nucleotide variant.
Coding change: c.116G>C on transcript NM_000289.6 (MANE Select); coding-DNA position 116, G replaced by C.
Protein change: p.Arg39Pro; replaces arginine 39 with proline.
Molecular consequence: missense variant. On other transcripts: non-coding transcript variant (4), intron variant (2).
Genome position (GRCh38, 1-based): chr12:48,130,393, G>C. VCF-style: chr12-48130393-G-C. GRCh37 (hg19) VCF-style: chr12-48524176-G-C.
Other names: c.329G>C, p.Arg110Pro (NM_001166686.2, NM_001354737.1, NM_001354738.1 and 1 more transcripts); c.116G>C, p.Arg39Pro (NM_001166687.2, NM_001166688.2, NM_001354742.2 and 4 more transcripts); c.425G>C, p.Arg142Pro (NM_001354735.1, NM_001354736.1); c.260G>C, p.Arg87Pro (NM_001354740.1); c.140G>C, p.Arg47Pro (NM_001354741.2); c.29G>C, p.Arg10Pro (NM_001354745.2); c.10-923G>C (NM_001354747.2, NM_001354748.2); short protein forms R39P, R110P, R47P, R10P, R142P, R87P.
Identifiers: ClinVar variation 1154 (VCV000001154.15), dbSNP rs121918193, ClinGen allele CA114800.